The following is an entry in ClinVar:

ClinVar aggregate classification (germline): Uncertain significance (1 of 4 stars; one submission).

Conditions:
Generalized pustular psoriasis. Identifiers: Orphanet 247353, MedGen C0343055, MONDO:0100491.

Allele frequency attached by ClinVar (database versions not stated): gnomAD exomes below 0.00001; TOPMed below 0.00001.
gnomAD v4.1: 2 of 1,614,014 alleles (0.00012%); highest among the groups gnomAD compares: Admixed American, 0.0017%; no homozygotes.

Submission:

Labcorp Genetics (formerly Invitae), Labcorp
Classification: Uncertain significance for Generalized pustular psoriasis. Last evaluated: 2022-08-23. Review status: criteria provided, single submitter. Criteria: Invitae Variant Classification Sherloc (09022015). Collection method: clinical testing. Allele origin: germline.
Comment: This sequence change replaces serine, which is neutral and polar, with phenylalanine, which is neutral and non-polar, at codon 55 of the IL36RN protein (p.Ser55Phe). This variant is present in population databases (no rsID available, gnomAD 0.003%). This variant has not been reported in the literature in individuals affected with IL36RN-related conditions. ClinVar contains an entry for this variant (Variation ID: 643910). Algorithms developed to predict the effect of missense changes on protein structure and function output the following: SIFT: "Deleterious"; PolyPhen-2: "Benign"; Align-GVGD: "Class C65". The phenylalanine amino acid residue is found in multiple mammalian species, which suggests that this missense change does not adversely affect protein function. In summary, the available evidence is currently insufficient to determine the role of this variant in disease. Therefore, it has been classified as a Variant of Uncertain Significance.

NM_012275.3(IL36RN):c.164C>T (p.Ser55Phe)

Gene: IL36RN (interleukin 36 receptor antagonist; plus strand). Cytogenetic location: 2q14.1.
Variant type: single nucleotide variant.
Coding change: c.164C>T on transcript NM_012275.3 (MANE Select); coding-DNA position 164, C replaced by T.
Protein change: p.Ser55Phe; replaces serine 55 with phenylalanine.
Molecular consequence: missense variant.
Genome position (GRCh38, 1-based): chr2:113,062,172, C>T. VCF-style: chr2-113062172-C-T. GRCh37 (hg19) VCF-style: chr2-113819749-C-T.
Other names: c.164C>T, p.Ser55Phe (NM_173170.1); short protein forms S55F.
Identifiers: ClinVar variation 643910 (VCV000643910.4), dbSNP rs1458580125, ClinGen allele CA348290031.